The following is an entry in ClinVar:

NM_001083538.3(POTEE):c.246T>C (p.Ala82=)

Gene: POTEE (POTE ankyrin domain family member E; plus strand). Cytogenetic location: 2q21.1.
Variant type: single nucleotide variant.
Coding change: c.246T>C on transcript NM_001083538.3 (MANE Select); coding-DNA position 246, T replaced by C.
Protein change: p.Ala82=; no amino-acid change (alanine 82 retained).
Molecular consequence: synonymous variant.
Genome position (GRCh38, 1-based): chr2:131,218,648, T>C. VCF-style: chr2-131218648-T-C. GRCh37 (hg19) VCF-style: chr2-131976221-T-C.
Identifiers: ClinVar variation 2651373 (VCV002651373.24), dbSNP rs755975140, ClinGen allele CA1876231.

ClinVar aggregate classification (germline): Likely benign (1 of 4 stars; one submission).

Allele frequency attached by ClinVar (database versions not stated): ExAC 0.00004.

Submission:

CeGaT Center for Human Genetics Tuebingen
Classification: Likely benign. Last evaluated: 2022-08-01. Review status: criteria provided, single submitter. Criteria: CeGaT Center For Human Genetics Tuebingen Variant Classification Criteria Version 2. Collection method: clinical testing. Allele origin: germline. Affected: yes. Observed: 1 variant allele.
Comment: POTEE: BP4, BP7